The following is an entry in ClinVar:

ClinVar aggregate classification (germline): Uncertain significance. Review status: criteria provided, multiple submitters, no conflicts (2 of 4 stars). 2 submissions from 2 submitters: Uncertain significance (2). Last evaluated 2025-12-02.

Conditions:
Inborn genetic diseases. Identifiers: MedGen C0950123, MeSH D030342.

Allele frequency attached by ClinVar (database versions not stated): ExAC 0.00004; TOPMed 0.00002; gnomAD 0.00002.
gnomAD v4.1: 64 of 1,608,662 alleles (0.004%); highest among the groups gnomAD compares: Middle Eastern, 0.017%; no homozygotes.

Submissions (2):

Ambry Genetics
Classification: Uncertain significance for Inborn genetic diseases. Last evaluated: 2025-12-02. Review status: criteria provided, single submitter. Criteria: Ambry Variant Classification Scheme 2023. Collection method: clinical testing. Allele origin: germline.

Labcorp Genetics (formerly Invitae), Labcorp
Classification: Uncertain significance. Last evaluated: 2023-12-11. Review status: criteria provided, single submitter. Criteria: Invitae Variant Classification Sherloc (09022015). Collection method: clinical testing. Allele origin: germline.
Comment: This sequence change replaces glutamic acid, which is acidic and polar, with lysine, which is basic and polar, at codon 1469 of the OBSL1 protein (p.Glu1469Lys). This variant is present in population databases (rs780528802, gnomAD 0.008%). This variant has not been reported in the literature in individuals affected with OBSL1-related conditions. ClinVar contains an entry for this variant (Variation ID: 2172542). An algorithm developed to predict the effect of missense changes on protein structure and function (PolyPhen-2) suggests that this variant¬†is likely to be tolerated. In summary, the available evidence is currently insufficient to determine the role of this variant in disease. Therefore, it has been classified as a Variant of Uncertain Significance.

NM_015311.3(OBSL1):c.4405G>A (p.Glu1469Lys)

Gene: OBSL1 (obscurin like cytoskeletal adaptor 1; minus strand). Cytogenetic location: 2q35.
Variant type: single nucleotide variant.
Coding change: c.4405G>A on transcript NM_015311.3 (MANE Select); coding-DNA position 4405, G replaced by A.
Protein change: p.Glu1469Lys; replaces glutamic acid 1469 with lysine.
Molecular consequence: missense variant.
Genome position (GRCh38, 1-based): chr2:219,556,224, C>T on the plus strand (G>A on the coding strand, the complement: OBSL1 is on the minus strand). VCF-style: chr2-219556224-C-T. GRCh37 (hg19) VCF-style: chr2-220420946-C-T.
Other names: c.4405G>A, p.Glu1469Lys (NM_001173431.2); c.4405G>A (NM_015311.2); short protein forms E1469K.
Identifiers: ClinVar variation 2172542 (VCV002172542.4), dbSNP rs780528802, ClinGen allele CA2130556.